The following is an entry in ClinVar:

NM_001408.3(CELSR2):c.3543C>T (p.Leu1181=)

Gene: CELSR2 (cadherin EGF LAG seven-pass G-type receptor 2; plus strand). Cytogenetic location: 1p13.3.
Variant type: single nucleotide variant.
Coding change: c.3543C>T on transcript NM_001408.3 (MANE Select); coding-DNA position 3543, C replaced by T.
Protein change: p.Leu1181=; no amino-acid change (leucine 1181 retained).
Molecular consequence: synonymous variant.
Genome position (GRCh38, 1-based): chr1:109,258,664, C>T. VCF-style: chr1-109258664-C-T. GRCh37 (hg19) VCF-style: chr1-109801286-C-T.
Identifiers: ClinVar variation 728933 (VCV000728933.10), dbSNP rs201291428, ClinGen allele CA986965.
Genomic context (GRCh38, chr1:109,258,664, plus strand): 5'-GGACCACGTGGTGGTCTTCAACGTACAGCGGGACACCGACGCCCCCGGGGGCCACATCCT[C>T]AACGTGAGCCTGTCGGTGGGCCAGCCGCCAGGGCCCGGGGGCGGGCCGCCCTTCCTGCCC-3'
Protein context (NP_001399.1, residues 1171-1191): RDTDAPGGHI[Leu1181=]NVSLSVGQPP

ClinVar aggregate classification (germline): Likely benign. Review status: criteria provided, single submitter (1 of 4 stars). 2 submissions from 2 submitters: Likely benign (1). 1 of the submissions does not count toward it. Last evaluated 2025-12-27.

Conditions:
CELSR2-related disorder. Also called: CELSR2-related condition.

Allele frequency attached by ClinVar (database versions not stated): 1000 Genomes Project 30x 0.00203; gnomAD exomes 0.00016 and 0.00031; ExAC 0.00062; ESP Exome Variant Server 0.00111; gnomAD 0.00153 and 0.00168; TOPMed 0.00161; 1000 Genomes Project 0.00180.
gnomAD v4.1: 452 of 1,548,414 alleles (0.029%); highest among the groups gnomAD compares: African/African-American, 0.57%; 3 homozygotes.

Submissions (2):

Labcorp Genetics (formerly Invitae), Labcorp
Classification: Likely benign. Last evaluated: 2025-12-27. Review status: criteria provided, single submitter. Criteria: Invitae Variant Classification Sherloc (09022015). Collection method: clinical testing. Allele origin: germline.

PreventionGenetics, part of Exact Sciences
Classification: Likely benign for CELSR2-related condition. Last evaluated: 2020-01-02. Review status: no assertion criteria provided. Collection method: clinical testing. Allele origin: germline. Not counted in ClinVar's aggregate classification.
Comment: This variant is classified as likely benign based on ACMG/AMP sequence variant interpretation guidelines (Richards et al. 2015 PMID: 25741868, with internal and published modifications).